The following is an entry in ClinVar:

NM_014687.4(RUBCN):c.1877C>T (p.Ala626Val)

Gene: RUBCN (rubicon autophagy regulator; minus strand). Cytogenetic location: 3q29.
Variant type: single nucleotide variant.
Coding change: c.1877C>T on transcript NM_014687.4 (MANE Select); coding-DNA position 1877, C replaced by T.
Protein change: p.Ala626Val; replaces alanine 626 with valine.
Molecular consequence: missense variant.
Genome position (GRCh38, 1-based): chr3:197,683,410, G>A on the plus strand (C>T on the coding strand, the complement: RUBCN is on the minus strand). VCF-style: chr3-197683410-G-A. GRCh37 (hg19) VCF-style: chr3-197410281-G-A.
Other names: p.Ala581Val; c.1742C>T, p.Ala581Val (NM_001145642.5); c.1994C>T, p.Ala665Val (NM_001346873.2); c.1742C>T (NM_001145642.2); short protein forms A581V, A626V, A665V.
Identifiers: ClinVar variation 3379529 (VCV003379529.3).

ClinVar aggregate classification (germline): Uncertain significance. Review status: criteria provided, multiple submitters, no conflicts (2 of 4 stars). 3 submissions from 3 submitters: Uncertain significance (3). Last evaluated 2025-03-18.

gnomAD v4.1: 60 of 1,614,068 alleles (0.0037%); highest among the groups gnomAD compares: Non-Finnish European, 0.0045%; no homozygotes.

Submissions (3):

Ambry Genetics
Classification: Uncertain significance. Last evaluated: 2025-03-18. Review status: criteria provided, single submitter. Criteria: Ambry Variant Classification Scheme 2023. Collection method: clinical testing. Allele origin: germline.

Mayo Clinic Laboratories, Mayo Clinic
Classification: Uncertain significance. Last evaluated: 2023-11-13. Review status: criteria provided, single submitter. Criteria: ACMG Guidelines, 2015. Collection method: clinical testing. Allele origin: germline. Observed: 1 variant allele.
Comment: PM2_moderate

Blueprint Genetics
Classification: Uncertain significance. Last evaluated: 2021-11-02. Review status: criteria provided, single submitter. Criteria: ACMG Guidelines, 2015. Collection method: clinical testing. Allele origin: germline.